The following is an entry in ClinVar:

ClinVar aggregate classification (germline): Uncertain significance (1 of 4 stars; one submission).

gnomAD v4.1: 8 of 1,613,980 alleles (0.0005%); highest among the groups gnomAD compares: Non-Finnish European, 0.00068%; no homozygotes.

Submission:

Labcorp Genetics (formerly Invitae), Labcorp
Classification: Uncertain significance. Last evaluated: 2023-08-09. Review status: criteria provided, single submitter. Criteria: Invitae Variant Classification Sherloc (09022015). Collection method: clinical testing. Allele origin: germline.
Comment: This sequence change replaces glycine, which is neutral and non-polar, with arginine, which is basic and polar, at codon 254 of the CLCN7 protein (p.Gly254Arg). This variant is not present in population databases (gnomAD no frequency). This missense change has been observed in individual(s) with clinical features of autosomal dominant osteopetrosis (Invitae). Advanced modeling of protein sequence and biophysical properties (such as structural, functional, and spatial information, amino acid conservation, physicochemical variation, residue mobility, and thermodynamic stability) performed at Invitae indicates that this missense variant is expected to disrupt CLCN7 protein function. In summary, the available evidence is currently insufficient to determine the role of this variant in disease. Therefore, it has been classified as a Variant of Uncertain Significance.

NM_001287.6(CLCN7):c.760G>C (p.Gly254Arg)

Gene: CLCN7 (chloride voltage-gated channel 7; minus strand). Cytogenetic location: 16p13.3.
Variant type: single nucleotide variant.
Coding change: c.760G>C on transcript NM_001287.6 (MANE Select); coding-DNA position 760, G replaced by C.
Protein change: p.Gly254Arg; replaces glycine 254 with arginine.
Molecular consequence: missense variant.
Genome position (GRCh38, 1-based): chr16:1,457,316, C>G on the plus strand (G>C on the coding strand, the complement: CLCN7 is on the minus strand). VCF-style: chr16-1457316-C-G. GRCh37 (hg19) VCF-style: chr16-1507317-C-G.
Other names: c.688G>C, p.Gly230Arg (NM_001114331.3); short protein forms G230R, G254R.
Identifiers: ClinVar variation 2751248 (VCV002751248.3), dbSNP rs2505835943, ClinGen allele CA394191101.
Genomic context (GRCh38, chr16:1,457,316, plus strand): 5'-TGAAATCTCGTTTCAGTGACGTTGACCTTCCCTGAGAGATCCCGGCGGCAATCACTGAAC[C>G]TGAGTGGATCATCGGCCCTTCCTGGAGACCAGAAGGACCGGTGCTCAGAGACACGCGTGA-3'
Protein context (NP_001278.1, residues 244-264): VGKEGPMIHS[Gly254Arg]SVIAAGISQG